The following is an entry in ClinVar:

ClinVar aggregate classification (germline): Uncertain significance (1 of 4 stars; one submission).

Submission:

Labcorp Genetics (formerly Invitae), Labcorp
Classification: Uncertain significance. Last evaluated: 2023-07-17. Review status: criteria provided, single submitter. Criteria: Invitae Variant Classification Sherloc (09022015). Collection method: clinical testing. Allele origin: germline.
Comment: In summary, the available evidence is currently insufficient to determine the role of this variant in disease. Therefore, it has been classified as a Variant of Uncertain Significance. Advanced modeling of protein sequence and biophysical properties (such as structural, functional, and spatial information, amino acid conservation, physicochemical variation, residue mobility, and thermodynamic stability) performed at Invitae indicates that this missense variant is expected to disrupt WNT1 protein function. ClinVar contains an entry for this variant (Variation ID: 1431488). This variant has not been reported in the literature in individuals affected with WNT1-related conditions. This variant is not present in population databases (gnomAD no frequency). This sequence change replaces tryptophan, which is neutral and slightly polar, with serine, which is neutral and polar, at codon 102 of the WNT1 protein (p.Trp102Ser).

NM_005430.4(WNT1):c.305G>C (p.Trp102Ser)

Gene: WNT1 (Wnt family member 1; plus strand). Cytogenetic location: 12q13.12.
Variant type: single nucleotide variant.
Coding change: c.305G>C on transcript NM_005430.4 (MANE Select); coding-DNA position 305, G replaced by C.
Protein change: p.Trp102Ser; replaces tryptophan 102 with serine.
Molecular consequence: missense variant.
Genome position (GRCh38, 1-based): chr12:48,979,668, G>C. VCF-style: chr12-48979668-G-C. GRCh37 (hg19) VCF-style: chr12-49373451-G-C.
Other names: short protein forms W102S.
Identifiers: ClinVar variation 1431488 (VCV001431488.8), dbSNP rs2137623552, ClinGen allele CA384628320.